The following is an entry in ClinVar:

NM_000051.4(ATM):c.2520T>G (p.Asp840Glu)

Gene: ATM (ATM serine/threonine kinase; plus strand). Cytogenetic location: 11q22.3.
Variant type: single nucleotide variant.
Coding change: c.2520T>G on transcript NM_000051.4 (MANE Select); coding-DNA position 2520, T replaced by G.
Protein change: p.Asp840Glu; replaces aspartic acid 840 with glutamic acid.
Molecular consequence: missense variant.
Genome position (GRCh38, 1-based): chr11:108,267,224, T>G. VCF-style: chr11-108267224-T-G. GRCh37 (hg19) VCF-style: chr11-108137951-T-G.
Other names: c.2520T>G, p.Asp840Glu (NM_001351834.2); short protein forms D840E.
Identifiers: ClinVar variation 821416 (VCV000821416.9), dbSNP rs1591587498, ClinGen allele CA382543476.

ClinVar aggregate classification (germline): Conflicting classifications of pathogenicity. Review status: criteria provided, conflicting classifications (1 of 4 stars). 2 submissions from 2 submitters: Uncertain significance (1); Likely benign (1). Last evaluated 2022-01-16.

Conditions:
Ataxia-telangiectasia syndrome (AT). Also called: Cerebello-oculocutaneous telangiectasia; Immunodeficiency with ataxia telangiectasia; Ataxia-telangiectasia, complementation group E; Ataxia-telangiectasia, complementation group D; AT, COMPLEMENTATION GROUP C; ATAXIA-TELANGIECTASIA, COMPLEMENTATION GROUP A. Identifiers: Orphanet 100, MedGen C0004135, MONDO:0008840, OMIM 208900.
Hereditary cancer-predisposing syndrome. Also called: Hereditary Cancer Syndrome; Neoplastic Syndromes, Hereditary; Hereditary neoplastic syndrome; Tumor predisposition. Identifiers: Orphanet 140162, MedGen C0027672, MeSH D009386, MONDO:0015356.

Submissions (2):

Labcorp Genetics (formerly Invitae), Labcorp
Classification: Uncertain significance for Ataxia-telangiectasia syndrome. Last evaluated: 2022-01-16. Review status: criteria provided, single submitter. Criteria: Invitae Variant Classification Sherloc (09022015). Collection method: clinical testing. Allele origin: germline.
Comment: In summary, the available evidence is currently insufficient to determine the role of this variant in disease. Therefore, it has been classified as a Variant of Uncertain Significance. Advanced modeling of protein sequence and biophysical properties (such as structural, functional, and spatial information, amino acid conservation, physicochemical variation, residue mobility, and thermodynamic stability) performed at Invitae indicates that this missense variant is not expected to disrupt ATM protein function. ClinVar contains an entry for this variant (Variation ID: 821416). This variant has not been reported in the literature in individuals affected with ATM-related conditions. This variant is not present in population databases (gnomAD no frequency). This sequence change replaces aspartic acid, which is acidic and polar, with glutamic acid, which is acidic and polar, at codon 840 of the ATM protein (p.Asp840Glu).

Ambry Genetics
Classification: Likely benign for Hereditary cancer-predisposing syndrome. Last evaluated: 2019-10-23. Review status: criteria provided, single submitter. Criteria: Ambry Variant Classification Scheme 2023. Collection method: clinical testing. Allele origin: germline.